The following is an entry in ClinVar:

ClinVar aggregate classification (germline): Uncertain significance (1 of 4 stars; one submission).

Conditions:
Hereditary cancer-predisposing syndrome. Also called: Hereditary neoplastic syndrome; Hereditary Cancer Syndrome; Neoplastic Syndromes, Hereditary; Tumor predisposition. Identifiers: Orphanet 140162, MedGen C0027672, MeSH D009386, MONDO:0015356.

Submission:

Ambry Genetics
Classification: Uncertain significance for Hereditary cancer-predisposing syndrome. Last evaluated: 2023-05-02. Review status: criteria provided, single submitter. Criteria: Ambry Variant Classification Scheme 2023. Collection method: clinical testing. Allele origin: germline.
Comment: The p.D1137Y variant (also known as c.3409G>T), located in coding exon 15 of the APC gene, results from a G to T substitution at nucleotide position 3409. The aspartic acid at codon 1137 is replaced by tyrosine, an amino acid with highly dissimilar properties. This amino acid position is conserved. In addition, in silico predictors for this gene do not accurately predict pathogenicity. Since supporting evidence is limited at this time, the clinical significance of this alteration remains unclear.

NM_000038.6(APC):c.3409G>T (p.Asp1137Tyr)

Gene: APC (APC regulator of Wnt signaling pathway; plus strand). Cytogenetic location: 5q22.2.
Variant type: single nucleotide variant.
Coding change: c.3409G>T on transcript NM_000038.6 (MANE Select); coding-DNA position 3409, G replaced by T.
Protein change: p.Asp1137Tyr; replaces aspartic acid 1137 with tyrosine.
Molecular consequence: missense variant. On other transcripts: non-coding transcript variant (2).
Genome position (GRCh38, 1-based): chr5:112,839,003, G>T. VCF-style: chr5-112839003-G-T. GRCh37 (hg19) VCF-style: chr5-112174700-G-T.
Other names: c.3160G>T, p.Asp1054Tyr (NM_001407457.1, NM_001407454.1, NM_001407455.1 and 1 more transcripts); c.3106G>T, p.Asp1036Tyr (NM_001407458.1, NM_001407459.1, NM_001407460.1 and 1 more transcripts); c.3022G>T, p.Asp1008Tyr (NM_001407469.1, NM_001407467.1); c.2560G>T, p.Asp854Tyr (NM_001407470.1, NM_001354906.2); c.2257G>T, p.Asp753Tyr (NM_001407471.1, NM_001407472.1); c.3409G>T, p.Asp1137Tyr (NM_001127510.3, NM_001354895.2, NM_001407450.1); c.3355G>T, p.Asp1119Tyr (NM_001127511.3); c.3463G>T, p.Asp1155Tyr (NM_001354896.2, NM_001407447.1, NM_001407448.1 and 1 more transcripts); and 11 more; short protein forms D1008Y, D1036Y, D1078Y, D1119Y, D1155Y, D753Y, D854Y, D1096Y.
Identifiers: ClinVar variation 2567010 (VCV002567010.2), dbSNP rs2149891325, ClinGen allele CA16028806.